The following is an entry in ClinVar:

NM_001267550.2(TTN):c.3100+1_3100+3dup

Gene: TTN (titin; minus strand). Cytogenetic location: 2q31.2.
Variant type: Duplication.
Coding change: c.3100+1_3100+3dup on transcript NM_001267550.2 (MANE Select); the canonical splice donor site of the intron after coding-DNA position 3100 through 3 bases into the intron after coding-DNA position 3100, 3 bases duplicated (GTT; older notation c.3100+1_3100+3dupGTT).
Molecular consequence: splice donor variant.
Genome position (GRCh38, 1-based): chr2:178,782,803-178,782,805, AAC duplicated on the plus strand (GTT on the coding strand, the reverse complement: TTN is on the minus strand). VCF-style (leftmost placement, unchanged base first): chr2-178782802-T-TAAC. GRCh37 (hg19) VCF-style: chr2-179647529-T-TAAC.
Other names: c.2962+1_2962+3dup (NM_003319.4, NM_133437.4, NM_133432.3); c.3100+1_3100+3dup (NM_133378.4, NM_001256850.1, NM_133379.5).
Identifiers: ClinVar variation 3760513 (VCV003760513.2).
Genomic context (GRCh38, chr2:178,782,802, plus strand): 5'-GGAAAAGAGTGTCAGATGAAAGTGATGGCATGTGCATTAGGACTGTGGGAGGGTGGCCAC[T>TAAC]AACCCTGCACAGCCAGATAGCAGGATGTGCTGACGGTTCCAGCCTCATTTACAGCACTGC-3'

ClinVar aggregate classification (germline): Uncertain significance (1 of 4 stars; one submission).

Conditions:
Autosomal recessive limb-girdle muscular dystrophy type 2J (LGMDR10). Also called: Limb-girdle muscular dystrophy, type 2J; MUSCULAR DYSTROPHY, LIMB-GIRDLE, AUTOSOMAL RECESSIVE 10. Identifiers: Orphanet 140922, MedGen C1837342, MONDO:0012127, OMIM 608807.
Dilated cardiomyopathy 1G (CMD1G). Identifiers: Orphanet 154, MedGen C1858763, MONDO:0011400, OMIM 604145.

Submission:

Labcorp Genetics (formerly Invitae), Labcorp
Classification: Uncertain significance for Dilated cardiomyopathy 1G; Autosomal recessive limb-girdle muscular dystrophy type 2J. Last evaluated: 2025-08-12. Review status: criteria provided, single submitter. Criteria: Invitae Variant Classification Sherloc (09022015). Collection method: clinical testing. Allele origin: germline.
Comment: This sequence change falls in intron 18 of the TTN gene. It does not directly change the encoded amino acid sequence of the TTN protein. It affects a nucleotide within the consensus splice site. This variant is not present in population databases (gnomAD no frequency). This variant has not been reported in the literature in individuals affected with TTN-related conditions. ClinVar contains an entry for this variant (Variation ID: 3760513). Variants that disrupt the consensus splice site are a relatively common cause of aberrant splicing (PMID: 17576681, 9536098). Algorithms developed to predict the effect of sequence changes on RNA splicing suggest that this variant may disrupt the consensus splice site. This variant is located in the Z band of TTN (PMID: 25589632). Non-truncating variants in this region may be clinically relevant, but have not been definitively shown to cause cardiomyopathy or neuromuscular disease (PMID: 27493940, 32778822). In summary, the available evidence is currently insufficient to determine the role of this variant in disease. Therefore, it has been classified as a Variant of Uncertain Significance.

Literature cited by the submitters: PubMed 17576681; PubMed 9536098; PubMed 25589632; PubMed 27493940; PubMed 32778822.